The following is an entry in ClinVar:

ClinVar aggregate classification (germline): Pathogenic (1 of 4 stars; one submission).

gnomAD v4.1: 1 of 1,612,014 alleles (0.000062%); highest among the groups gnomAD compares: Non-Finnish European, 0.000085%; no homozygotes.

Submission:

Labcorp Genetics (formerly Invitae), Labcorp
Classification: Pathogenic. Last evaluated: 2024-04-25. Review status: criteria provided, single submitter. Criteria: Invitae Variant Classification Sherloc (09022015). Collection method: clinical testing. Allele origin: germline.
Comment: This sequence change creates a premature translational stop signal (p.Gln246*) in the DNAJC21 gene. It is expected to result in an absent or disrupted protein product. Loss-of-function variants in DNAJC21 are known to be pathogenic (PMID: 27346687, 28062395). This variant is not present in population databases (gnomAD no frequency). This premature translational stop signal has been observed in individual(s) with breast cancer (PMID: 26822949). Algorithms developed to predict the effect of sequence changes on RNA splicing suggest that this variant may create or strengthen a splice site. For these reasons, this variant has been classified as Pathogenic.

Literature cited by the submitters: PubMed 27346687; PubMed 28062395; PubMed 26822949.

NM_001012339.3(DNAJC21):c.736C>T (p.Gln246Ter)

Gene: DNAJC21 (DnaJ heat shock protein family (Hsp40) member C21; plus strand). Cytogenetic location: 5p13.2.
Variant type: single nucleotide variant.
Coding change: c.736C>T on transcript NM_001012339.3 (MANE Select); coding-DNA position 736, C replaced by T.
Protein change: p.Gln246Ter; replaces glutamine 246 with a stop codon.
Molecular consequence: nonsense.
Genome position (GRCh38, 1-based): chr5:34,937,623, C>T. VCF-style: chr5-34937623-C-T. GRCh37 (hg19) VCF-style: chr5-34937728-C-T.
Other names: c.736C>T, p.Gln246Ter (NM_001348420.2, NM_194283.4); short protein forms Q246*.
Identifiers: ClinVar variation 3651165 (VCV003651165.2).